The following is an entry in ClinVar:

NM_001365951.3(KIF1B):c.2042G>A (p.Arg681Lys)

Gene: KIF1B (kinesin family member 1B; plus strand). Cytogenetic location: 1p36.22.
Variant type: single nucleotide variant.
Coding change: c.2042G>A on transcript NM_001365951.3 (MANE Select); coding-DNA position 2042, G replaced by A.
Protein change: p.Arg681Lys; replaces arginine 681 with lysine.
Molecular consequence: missense variant.
Genome position (GRCh38, 1-based): chr1:10,297,077, G>A. VCF-style: chr1-10297077-G-A. GRCh37 (hg19) VCF-style: chr1-10357135-G-A.
Other names: c.2042G>A, p.Arg681Lys (NM_001365952.1); c.1904G>A, p.Arg635Lys (NM_001365953.1, NM_015074.3, NM_183416.4); short protein forms R635K, R681K.
Identifiers: ClinVar variation 2433134 (VCV002433134.8), dbSNP rs751423624, ClinGen allele CA581136.

ClinVar aggregate classification (germline): Uncertain significance. Review status: criteria provided, multiple submitters, no conflicts (2 of 4 stars). 3 submissions from 3 submitters: Uncertain significance (3). Last evaluated 2026-01-02.

Conditions:
Charcot-Marie-Tooth disease type 2A1. Also called: CHARCOT-MARIE-TOOTH DISEASE, AXONAL, TYPE 2A1; CHARCOT-MARIE-TOOTH DISEASE, AXONAL, AUTOSOMAL DOMINANT, TYPE 2A1; CHARCOT-MARIE-TOOTH DISEASE, NEURONAL, TYPE 2A1; CHARCOT-MARIE-TOOTH NEUROPATHY, TYPE 2A1; HEREDITARY MOTOR AND SENSORY NEUROPATHY IIA1. Identifiers: Orphanet 99946, MedGen C1861678, MONDO:0007308, OMIM 118210.
Charcot-Marie-Tooth disease type 2. Also called: Charcot-Marie-Tooth type 2. Identifiers: Orphanet 64746, MedGen C0270914, MONDO:0018993.

Allele frequency attached by ClinVar (database versions not stated): ExAC 0.00001; gnomAD exomes below 0.00001.
gnomAD v4.1: 2 of 1,613,722 alleles (0.00012%); highest among the groups gnomAD compares: African/African-American, 0.0013%; no homozygotes.

Submissions (3):

Labcorp Genetics (formerly Invitae), Labcorp
Classification: Uncertain significance for Charcot-Marie-Tooth disease type 2. Last evaluated: 2026-01-02. Review status: criteria provided, single submitter. Criteria: Invitae Variant Classification Sherloc (09022015). Collection method: clinical testing. Allele origin: germline.
Comment: This sequence change replaces arginine, which is basic and polar, with lysine, which is basic and polar, at codon 635 of the KIF1B protein (p.Arg635Lys). This variant also falls at the last nucleotide of exon 19, which is part of the consensus splice site for this exon. This variant is present in population databases (rs751423624, gnomAD 0.0009%). This variant has not been reported in the literature in individuals affected with KIF1B-related conditions. ClinVar contains an entry for this variant (Variation ID: 2433134). An algorithm developed to predict the effect of missense changes on protein structure and function (PolyPhen-2) suggests that this variant is likely to be disruptive. Variants that disrupt the consensus splice site are a relatively common cause of aberrant splicing (PMID: 17576681, 9536098). Algorithms developed to predict the effect of sequence changes on RNA splicing suggest that this variant may disrupt the consensus splice site. In summary, the available evidence is currently insufficient to determine the role of this variant in disease. Therefore, it has been classified as a Variant of Uncertain Significance.

Ambry Genetics
Classification: Uncertain significance. Last evaluated: 2025-07-28. Review status: criteria provided, single submitter. Criteria: Ambry Variant Classification Scheme 2023. Collection method: clinical testing. Allele origin: germline.
Comment: The p.R635K variant (also known as c.1904G>A), located in coding exon 18 of the KIF1B gene, results from a G to A substitution at nucleotide position 1904. The amino acid change results in arginine to lysine at codon 635, an amino acid with highly similar properties. However, this change occurs in the last base pair of coding exon 18, which makes it likely to have some effect on normal mRNA splicing. This nucleotide position is highly conserved in available vertebrate species. This amino acid position is highly conserved in available vertebrate species. In silico splice site analysis for this alteration is inconclusive. In addition, the in silico prediction for this alteration is inconclusive. The evidence for this gene-disease relationship is limited; therefore, the clinical significance of this alteration is unclear.

Revvity Omics, Revvity
Classification: Uncertain significance for Charcot-Marie-Tooth disease type 2A1. Last evaluated: 2021-10-19. Review status: criteria provided, single submitter. Criteria: ACMG Guidelines, 2015. Collection method: clinical testing. Allele origin: germline.

Literature cited by the submitters: PubMed 17576681 (cited by Labcorp Genetics (formerly Invitae), Labcorp); PubMed 9536098 (cited by Labcorp Genetics (formerly Invitae), Labcorp).